The following is an entry in ClinVar:

NM_001563.4(IMPG1):c.2183G>T (p.Gly728Val)

Gene: IMPG1 (interphotoreceptor matrix proteoglycan 1; minus strand). Cytogenetic location: 6q14.1.
Variant type: single nucleotide variant.
Coding change: c.2183G>T on transcript NM_001563.4 (MANE Select); coding-DNA position 2183, G replaced by T.
Protein change: p.Gly728Val; replaces glycine 728 with valine.
Molecular consequence: missense variant.
Genome position (GRCh38, 1-based): chr6:75,931,013, C>A on the plus strand (G>T on the coding strand, the complement: IMPG1 is on the minus strand). VCF-style: chr6-75931013-C-A. GRCh37 (hg19) VCF-style: chr6-76640730-C-A.
Other names: c.1949G>T, p.Gly650Val (NM_001282368.2); short protein forms G650V, G728V.
Identifiers: ClinVar variation 1004615 (VCV001004615.9), dbSNP rs190960703, ClinGen allele CA3897910.

ClinVar aggregate classification (germline): Uncertain significance. Review status: criteria provided, multiple submitters, no conflicts (2 of 4 stars). 3 submissions from 3 submitters: Uncertain significance (3). Last evaluated 2025-12-20.

Allele frequency attached by ClinVar (database versions not stated): TOPMed 0.00025; 1000 Genomes Project 30x 0.00094; gnomAD exomes 0.00002; ExAC 0.00009; ESP Exome Variant Server 0.00023; 1000 Genomes Project 0.00120.
gnomAD v4.1: 68 of 1,614,240 alleles (0.0042%); highest among the groups gnomAD compares: African/African-American, 0.067%; no homozygotes.

Submissions (3):

Labcorp Genetics (formerly Invitae), Labcorp
Classification: Uncertain significance. Last evaluated: 2025-12-20. Review status: criteria provided, single submitter. Criteria: Invitae Variant Classification Sherloc (09022015). Collection method: clinical testing. Allele origin: germline.
Comment: This sequence change replaces glycine, which is neutral and non-polar, with valine, which is neutral and non-polar, at codon 728 of the IMPG1 protein (p.Gly728Val). This variant is present in population databases (rs190960703, gnomAD 0.08%). This variant has not been reported in the literature in individuals affected with IMPG1-related conditions. ClinVar contains an entry for this variant (Variation ID: 1004615). An algorithm developed to predict the effect of missense changes on protein structure and function (PolyPhen-2) suggests that this variant is likely to be disruptive. In summary, the available evidence is currently insufficient to determine the role of this variant in disease. Therefore, it has been classified as a Variant of Uncertain Significance.

Blueprint Genetics
Classification: Uncertain significance. Last evaluated: 2024-07-29. Review status: criteria provided, single submitter. Criteria: ACMG Guidelines, 2015. Collection method: clinical testing. Allele origin: germline.

Breakthrough Genomics
Classification: Uncertain significance. Review status: criteria provided, single submitter. Criteria: ACMG Guidelines, 2015. Collection method: not provided. Allele origin: germline. Inheritance: Autosomal recessive inheritance. Affected: yes.